The following is an entry in ClinVar:

ClinVar aggregate classification (germline): Conflicting classifications of pathogenicity. Review status: criteria provided, conflicting classifications (1 of 4 stars). 2 submissions from 2 submitters: Uncertain significance (1); Likely benign (1). Last evaluated 2025-09-04.

Conditions:
Familial thoracic aortic aneurysm and aortic dissection (TAAD). Also called: Thoracic aortic aneurysms and dissections. Identifiers: Orphanet 91387, MedGen C4707243, MONDO:0019625.

Submissions (2):

Color Diagnostics, LLC DBA Color Health
Classification: Uncertain significance for Familial thoracic aortic aneurysm and aortic dissection. Last evaluated: 2025-09-04. Review status: criteria provided, single submitter. Criteria: ACMG Guidelines, 2015. Collection method: clinical testing. Allele origin: germline.
Comment: This variant causes a deletion of 2 nucleotides at +7 and +8 position in intron 3 of the TGFBR1 gene. To our knowledge, functional studies have not been reported for this variant. This variant has not been reported in individuals affected with TGFBR1-related disorders in the literature. This variant has been identified in 1/250558 chromosomes in the general population by the Genome Aggregation Database (gnomAD). The available evidence is insufficient to determine the role of this variant in disease conclusively. Therefore, this variant is classified as a Variant of Uncertain Significance.

Labcorp Genetics (formerly Invitae), Labcorp
Classification: Likely benign for Familial thoracic aortic aneurysm and aortic dissection. Last evaluated: 2025-02-06. Review status: criteria provided, single submitter. Criteria: Invitae Variant Classification Sherloc (09022015). Collection method: clinical testing. Allele origin: germline.

NM_004612.4(TGFBR1):c.574+7_574+8del

Gene: TGFBR1 (transforming growth factor beta receptor 1; plus strand). Cytogenetic location: 9q22.33.
Variant type: Deletion.
Coding change: c.574+7_574+8del on transcript NM_004612.4 (MANE Select); bases 7 to 8 of the intron after coding-DNA position 574, 2 bases deleted (TA; older notation c.574+7_574+8delTA).
Molecular consequence: intron variant.
Genome position (GRCh38, 1-based): chr9:99,132,746-99,132,747, TA deleted; deleting any 2 consecutive bases within chr9:99,132,745-99,132,747 gives the same sequence; the c. name uses the placement nearest the transcript's 3' end. VCF-style (leftmost placement, unchanged base first): chr9-99132744-CAT-C. GRCh37 (hg19) VCF-style: chr9-101895026-CAT-C.
Other names: c.379+7_379+8del (NM_001407418.1, NM_001407419.1, NM_001407422.1 and 1 more transcripts); c.367+7_367+8del (NM_001407423.1, NM_001407424.1, NM_001407425.1 and 8 more transcripts); c.586+7_586+8del (NM_001306210.2, NM_001407416.1); c.574+7_574+8del (NM_001407417.1, NM_001407435.1); c.343+3646_343+3647del (NM_001130916.3); c.328+7_328+8del (NM_001407436.1); c.98-5113_98-5112del (NM_001407438.1); c.98-9790_98-9789del (NM_001407437.1).
Identifiers: ClinVar variation 2774552 (VCV002774552.6), dbSNP rs746762030, ClinGen allele CA042375.